The following is an entry in ClinVar:

ClinVar aggregate classification (germline): Uncertain significance (1 of 4 stars; one submission).

Conditions:
Fanconi anemia (FA). Also called: Fanconi's anemia. Identifiers: Orphanet 84, MedGen C0015625, MeSH D005199, MONDO:0019391.

Allele frequency attached by ClinVar (database versions not stated): gnomAD exomes below 0.00001.
gnomAD v4.1: 3 of 1,209,687 alleles (0.00025%); highest among the groups gnomAD compares: Admixed American, 0.0043%; no homozygotes.

Submission:

Labcorp Genetics (formerly Invitae), Labcorp
Classification: Uncertain significance for Fanconi anemia. Last evaluated: 2022-03-11. Review status: criteria provided, single submitter. Criteria: Invitae Variant Classification Sherloc (09022015). Collection method: clinical testing. Allele origin: germline.
Comment: In summary, the available evidence is currently insufficient to determine the role of this variant in disease. Therefore, it has been classified as a Variant of Uncertain Significance. Algorithms developed to predict the effect of missense changes on protein structure and function are either unavailable or do not agree on the potential impact of this missense change (SIFT: "Tolerated"; PolyPhen-2: "Possibly Damaging"; Align-GVGD: "Class C0"). ClinVar contains an entry for this variant (Variation ID: 839664). This variant has not been reported in the literature in individuals affected with FANCB-related conditions. This variant is not present in population databases (gnomAD no frequency). This sequence change replaces threonine, which is neutral and polar, with serine, which is neutral and polar, at codon 703 of the FANCB protein (p.Thr703Ser).

NM_001018113.3(FANCB):c.2107A>T (p.Thr703Ser)

Gene: FANCB (FA complementation group B; minus strand). Cytogenetic location: Xp22.2.
Variant type: single nucleotide variant.
Coding change: c.2107A>T on transcript NM_001018113.3 (MANE Select); coding-DNA position 2107, A replaced by T.
Protein change: p.Thr703Ser; replaces threonine 703 with serine.
Molecular consequence: missense variant.
Genome position (GRCh38, 1-based): chrX:14,844,561, T>A on the plus strand (A>T on the coding strand, the complement: FANCB is on the minus strand). VCF-style: chrX-14844561-T-A. GRCh37 (hg19) VCF-style: chrX-14862683-T-A.
Other names: c.2107A>T, p.Thr703Ser (NM_001324162.2, NM_152633.4); short protein forms T703S.
Identifiers: ClinVar variation 839664 (VCV000839664.7), dbSNP rs2092367669, ClinGen allele CA412438348.